The following is an entry in ClinVar:

NM_001384950.1(NLRC5):c.847A>G (p.Ser283Gly)

Gene: NLRC5 (NLR family CARD domain containing 5; plus strand). Cytogenetic location: 16q13.
Variant type: single nucleotide variant.
Coding change: c.847A>G on transcript NM_001384950.1 (MANE Select); coding-DNA position 847, A replaced by G.
Protein change: p.Ser283Gly; replaces serine 283 with glycine.
Molecular consequence: missense variant. On other transcripts: non-coding transcript variant (9).
Genome position (GRCh38, 1-based): chr16:57,025,790, A>G. VCF-style: chr16-57025790-A-G. GRCh37 (hg19) VCF-style: chr16-57059702-A-G.
Other names: c.847A>G, p.Ser283Gly (NM_001330552.2, NM_001384951.1, NM_001384952.1 and 21 more transcripts); c.676A>G, p.Ser226Gly (NM_001384972.1); short protein forms S283G, S226G.
Identifiers: ClinVar variation 103211 (VCV000103211.2), dbSNP rs199475972, ClinGen allele CA230263.

ClinVar aggregate classification (germline): not provided (0 of 4 stars; one submission).

Allele frequency attached by ClinVar (database versions not stated): gnomAD exomes below 0.00001; TOPMed below 0.00001.
gnomAD v4.1: 6 of 1,614,188 alleles (0.00037%); highest among the groups gnomAD compares: African/African-American, 0.0027%; no homozygotes.

Submission:

Human Evolutionary Genetics, Institut Pasteur
No classification provided. Review status: no classification provided. Collection method: not provided. Allele origin: germline.
ClinVar note: Converted during submission from untested to not provided.